The following is an entry in ClinVar:

NM_001170629.2(CHD8):c.1951C>T (p.Arg651Trp)

Gene: CHD8 (chromodomain helicase DNA binding protein 8; minus strand). Cytogenetic location: 14q11.2.
Variant type: single nucleotide variant.
Coding change: c.1951C>T on transcript NM_001170629.2 (MANE Select); coding-DNA position 1951, C replaced by T.
Protein change: p.Arg651Trp; replaces arginine 651 with tryptophan.
Molecular consequence: missense variant.
Genome position (GRCh38, 1-based): chr14:21,415,591, G>A on the plus strand (C>T on the coding strand, the complement: CHD8 is on the minus strand). VCF-style: chr14-21415591-G-A. GRCh37 (hg19) VCF-style: chr14-21883750-G-A.
Other names: c.1114C>T, p.Arg372Trp (NM_020920.4); short protein forms R372W, R651W.
Identifiers: ClinVar variation 1213586 (VCV001213586.4), dbSNP rs1329659775, ClinGen allele CA388879119.

ClinVar aggregate classification (germline): Pathogenic (1 of 4 stars; one submission).

Submission:

GeneDx
Classification: Pathogenic. Last evaluated: 2025-05-13. Review status: criteria provided, single submitter. Criteria: GeneDx Variant Classification Process June 2021. Collection method: clinical testing. Allele origin: germline. Affected: yes.
Comment: Not observed at significant frequency in large population cohorts (gnomAD); In silico analysis supports that this missense variant has a deleterious effect on protein structure/function; Has not been previously published as pathogenic or benign to our knowledge